The following is an entry in ClinVar:

NM_000094.4(COL7A1):c.6654C>G (p.Gly2218=)

Gene: COL7A1 (collagen type VII alpha 1 chain; minus strand). Cytogenetic location: 3p21.31.
Variant type: single nucleotide variant.
Coding change: c.6654C>G on transcript NM_000094.4 (MANE Select); coding-DNA position 6654, C replaced by G.
Protein change: p.Gly2218=; no amino-acid change (glycine 2218 retained).
Molecular consequence: synonymous variant.
Genome position (GRCh38, 1-based): chr3:48,573,234, G>C on the plus strand (C>G on the coding strand, the complement: COL7A1 is on the minus strand). VCF-style: chr3-48573234-G-C. GRCh37 (hg19) VCF-style: chr3-48610667-G-C.
Identifiers: ClinVar variation 725935 (VCV000725935.48), dbSNP rs151111203, ClinGen allele CA2378894.
Genomic context (GRCh38, chr3:48,573,234, plus strand): 5'-CACAAGGCCTGAAGGGCCGGGGGGTCCAGGAAGTCCCACAGCTCCAGTAGGTCCAGTCAG[G>C]CCCTGGAGGAAGAGAAAGTTCAGGGCAGTGCCAACCCCACCCATCTCCCTATGACCCTAA-3'
Protein context (NP_000085.1, residues 2208-2228): EPGETGPPGR[Gly2218=]LTGPTGAVGL

ClinVar aggregate classification (germline): Benign/Likely benign. Review status: criteria provided, multiple submitters, no conflicts (2 of 4 stars). 7 submissions from 7 submitters: Benign (2); Likely benign (2). 3 of the submissions do not count toward it. Last evaluated 2026-02-02.

Conditions:
Epidermolysis bullosa dystrophica. Also called: Dystrophic epidermolysis bullosa, Hallopeau-Siemens type (formerly); Dystrophic epidermolysis bullosa. Identifiers: Orphanet 303, MedGen C0079294, MONDO:0006543.

Allele frequency attached by ClinVar (database versions not stated): 1000 Genomes Project 30x 0.00047; 1000 Genomes Project 0.00060; TOPMed 0.00091; ESP Exome Variant Server 0.00092; gnomAD exomes 0.00182 and 0.00311; gnomAD 0.00306 and 0.00322; ExAC 0.00315.
gnomAD v4.1: 3,082 of 1,614,106 alleles (0.19%); highest among the groups gnomAD compares: Non-Finnish European, 0.14%; 28 homozygotes.

Submissions (7):

Labcorp Genetics (formerly Invitae), Labcorp
Classification: Benign. Last evaluated: 2026-02-02. Review status: criteria provided, single submitter. Criteria: Invitae Variant Classification Sherloc (09022015). Collection method: clinical testing. Allele origin: germline.

Center for Genomic Medicine, Rigshospitalet, Copenhagen University Hospital
Classification: Likely benign. Last evaluated: 2025-03-04. Review status: criteria provided, single submitter. Criteria: ACMG Guidelines, 2015. Collection method: clinical testing. Allele origin: germline.

CeGaT Center for Human Genetics Tuebingen
Classification: Likely benign. Last evaluated: 2025-03-01. Review status: criteria provided, single submitter. Criteria: CeGaT Center For Human Genetics Tuebingen Variant Classification Criteria Version 2. Collection method: clinical testing. Allele origin: germline. Affected: yes. Observed: 4 variant alleles.
Comment: COL7A1: BP4, BP7

Illumina Laboratory Services, Illumina
Classification: Benign for Dystrophic epidermolysis bullosa. Last evaluated: 2017-04-27. Review status: criteria provided, single submitter. Criteria: ICSL Variant Classification Criteria 13 December 2019. Collection method: clinical testing. Allele origin: germline.
Comment: This variant was observed as part of a predisposition screen in an ostensibly healthy population. A literature search was performed for the gene, cDNA change, and amino acid change (where applicable). Publications were found based on this search. The evidence from the literature, in combination with allele frequency data from public databases where available, was sufficient to rule this variant out of causing disease. Therefore, this variant is classified as benign.

Natera, Inc.
Classification: Benign for Dystrophic epidermolysis bullosa. Last evaluated: 2020-01-29. Review status: no assertion criteria provided. Collection method: clinical testing. Allele origin: germline. Not counted in ClinVar's aggregate classification.

Clinical Genetics DNA and cytogenetics Diagnostics Lab, Erasmus MC, Erasmus Medical Center
Classification: Likely benign. Review status: no assertion criteria provided. Collection method: clinical testing. Allele origin: germline. Affected: yes. Study: VKGL Data-share Consensus. Not counted in ClinVar's aggregate classification.

Diagnostic Laboratory, Department of Genetics, University Medical Center Groningen
Classification: Benign. Review status: no assertion criteria provided. Collection method: clinical testing. Allele origin: germline. Affected: yes. Study: VKGL Data-share Consensus. Not counted in ClinVar's aggregate classification.

Literature cited by the submitters: PubMed 16971478 (cited by Illumina Laboratory Services, Illumina).